The following is an entry in ClinVar:

ClinVar aggregate classification (germline): Conflicting classifications of pathogenicity. Review status: criteria provided, conflicting classifications (1 of 4 stars). 2 submissions from 2 submitters: Uncertain significance (1); Likely benign (1). Last evaluated 2025-06-19.

Conditions:
Inborn genetic diseases. Identifiers: MedGen C0950123, MeSH D030342.

Allele frequency attached by ClinVar (database versions not stated): TOPMed below 0.00001.

Submissions (2):

Ambry Genetics
Classification: Likely benign for Inborn genetic diseases. Last evaluated: 2025-06-19. Review status: criteria provided, single submitter. Criteria: Ambry Variant Classification Scheme 2023. Collection method: clinical testing. Allele origin: germline.

Labcorp Genetics (formerly Invitae), Labcorp
Classification: Uncertain significance. Last evaluated: 2021-10-12. Review status: criteria provided, single submitter. Criteria: Invitae Variant Classification Sherloc (09022015). Collection method: clinical testing. Allele origin: germline.
Comment: This variant is not present in population databases (ExAC no frequency). In summary, the available evidence is currently insufficient to determine the role of this variant in disease. Therefore, it has been classified as a Variant of Uncertain Significance. Algorithms developed to predict the effect of missense changes on protein structure and function output the following: SIFT: "Tolerated"; PolyPhen-2: "Benign"; Align-GVGD: "Class C0". The serine amino acid residue is found in multiple mammalian species, which suggests that this missense change does not adversely affect protein function. This variant has not been reported in the literature in individuals affected with SAMD9-related conditions. This sequence change replaces asparagine with serine at codon 1101 of the SAMD9 protein (p.Asn1101Ser). The asparagine residue is weakly conserved and there is a small physicochemical difference between asparagine and serine.

NM_017654.4(SAMD9):c.3302A>G (p.Asn1101Ser)

Gene: SAMD9 (sterile alpha motif domain containing 9; minus strand). Cytogenetic location: 7q21.2.
Variant type: single nucleotide variant.
Coding change: c.3302A>G on transcript NM_017654.4 (MANE Select); coding-DNA position 3302, A replaced by G.
Protein change: p.Asn1101Ser; replaces asparagine 1101 with serine.
Molecular consequence: missense variant.
Genome position (GRCh38, 1-based): chr7:93,102,796, T>C on the plus strand (A>G on the coding strand, the complement: SAMD9 is on the minus strand). VCF-style: chr7-93102796-T-C. GRCh37 (hg19) VCF-style: chr7-92732109-T-C.
Other names: c.3302A>G (NM_017654.3); c.3302A>G, p.Asn1101Ser (NM_001193307.2); short protein forms N1101S.
Identifiers: ClinVar variation 1446695 (VCV001446695.7), dbSNP rs1791557468, ClinGen allele CA368185956.